The following is an entry in ClinVar:

ClinVar aggregate classification (germline): Uncertain significance (1 of 4 stars; one submission).

Conditions:
Emery-Dreifuss muscular dystrophy 4, autosomal dominant (EDMD4). Also called: EMERY-DREIFUSS MUSCULAR DYSTROPHY 4 WITH VARIABLE FEATURES. Identifiers: Orphanet 261, MedGen C2751807, MONDO:0013071, OMIM 612998.
Autosomal recessive ataxia, Beauce type. Also called: SYNE1 Deficiency; Spinocerebellar ataxia, autosomal recessive 8; ATAXIA, RECESSIVE, OF BEAUCE; SYNE1-Related Autosomal Recessive Cerebellar Ataxia. Identifiers: Orphanet 88644, MedGen C1853116, MONDO:0012549, OMIM 610743.

Allele frequency attached by ClinVar (database versions not stated): TOPMed below 0.00001.

Submission:

Labcorp Genetics (formerly Invitae), Labcorp
Classification: Uncertain significance for Emery-Dreifuss muscular dystrophy 4, autosomal dominant; Autosomal recessive ataxia, Beauce type. Last evaluated: 2022-07-25. Review status: criteria provided, single submitter. Criteria: Invitae Variant Classification Sherloc (09022015). Collection method: clinical testing. Allele origin: germline.
Comment: In summary, the available evidence is currently insufficient to determine the role of this variant in disease. Therefore, it has been classified as a Variant of Uncertain Significance. Algorithms developed to predict the effect of missense changes on protein structure and function are either unavailable or do not agree on the potential impact of this missense change (SIFT: "Deleterious"; PolyPhen-2: "Possibly Damaging"; Align-GVGD: "Class C0"). This variant has not been reported in the literature in individuals affected with SYNE1-related conditions. This variant is not present in population databases (gnomAD no frequency). This sequence change replaces lysine, which is basic and polar, with glutamic acid, which is acidic and polar, at codon 201 of the SYNE1 protein (p.Lys201Glu).

NM_182961.4(SYNE1):c.580A>G (p.Lys194Glu)

Gene: SYNE1 (spectrin repeat containing nuclear envelope protein 1; minus strand). Cytogenetic location: 6q25.2.
Variant type: single nucleotide variant.
Coding change: c.580A>G on transcript NM_182961.4 (MANE Select); coding-DNA position 580, A replaced by G.
Protein change: p.Lys194Glu; replaces lysine 194 with glutamic acid.
Molecular consequence: missense variant.
Genome position (GRCh38, 1-based): chr6:152,510,194, T>C on the plus strand (A>G on the coding strand, the complement: SYNE1 is on the minus strand). VCF-style: chr6-152510194-T-C. GRCh37 (hg19) VCF-style: chr6-152831329-T-C.
Other names: c.601A>G, p.Lys201Glu (NM_033071.5); short protein forms K201E, K194E.
Identifiers: ClinVar variation 2111978 (VCV002111978.4), dbSNP rs2099078045, ClinGen allele CA366150378.